The following is an entry in ClinVar:

ClinVar aggregate classification (germline): Pathogenic (1 of 4 stars; one submission).

Conditions:
Peroxisome biogenesis disorder 2B (PBD2B). Identifiers: Orphanet 44, MedGen C3550234, MONDO:0008736, OMIM 202370.

Submission:

Labcorp Genetics (formerly Invitae), Labcorp
Classification: Pathogenic for Peroxisome biogenesis disorder 2B. Last evaluated: 2024-01-20. Review status: criteria provided, single submitter. Criteria: Invitae Variant Classification Sherloc (09022015). Collection method: clinical testing. Allele origin: germline.
Comment: This sequence change creates a premature translational stop signal (p.Leu30Phefs*6) in the PEX5 gene. It is expected to result in an absent or disrupted protein product. Loss-of-function variants in PEX5 are known to be pathogenic (PMID: 18712838, 21031596). This variant is not present in population databases (gnomAD no frequency). This variant has not been reported in the literature in individuals affected with PEX5-related conditions. For these reasons, this variant has been classified as Pathogenic.

Literature cited by the submitters: PubMed 18712838; PubMed 21031596.

NM_001351132.2(PEX5):c.88del (p.Leu30fs)

Gene: PEX5 (peroxisomal biogenesis factor 5; plus strand). Cytogenetic location: 12p13.31.
Variant type: Deletion.
Coding change: c.88del on transcript NM_001351132.2 (MANE Select); coding-DNA position 88, one base deleted (C; older notation c.88delC).
Protein change: p.Leu30fs; shifts the reading frame from leucine 30.
Molecular consequence: frameshift variant.
Genome position (GRCh38, 1-based): chr12:7,190,465, C deleted; the last of 3 consecutive C bases (chr12:7,190,463-7,190,465); deleting any one gives the same sequence. VCF-style (leftmost placement, unchanged base first): chr12-7190462-GC-G. GRCh37 (hg19) VCF-style: chr12-7343058-GC-G.
Other names: c.88del, p.Leu30fs (NM_000319.5, NM_001131023.2, NM_001131024.2 and 22 more transcripts); short protein forms L30fs.
Identifiers: ClinVar variation 2710496 (VCV002710496.3), dbSNP rs2539799464, ClinGen allele CA2697559086.
Genomic context (GRCh38, chr12:7,190,462, plus strand): 5'-GCCGAATGCGGGGGTGCCAACCCGCTCATGAAGCTCGCCGGGCACTTCACCCAGGACAAG[GC>G]CCTTCGGCAGGAGGGATTGAGGCCTGGCCCCTGGCCCCCCGGAGCCCCGGCCTCTGAGGC-3'